The following is an entry in ClinVar:

ClinVar aggregate classification (germline): Uncertain significance (1 of 4 stars; one submission).

Conditions:
Encephalopathy, acute, infection-induced (herpes-specific), susceptibility to, 1. Also called: Herpes simplex encephalitis, susceptibility to, 1. Identifiers: Orphanet 1930, MedGen C2750180, MONDO:0024563, OMIM 610551.

Allele frequency attached by ClinVar (database versions not stated): TOPMed below 0.00001; gnomAD 0.00001; gnomAD exomes 0.00001.
gnomAD v4.1: 10 of 1,614,054 alleles (0.00062%); highest among the groups gnomAD compares: South Asian, 0.0022%; no homozygotes.

Submission:

Labcorp Genetics (formerly Invitae), Labcorp
Classification: Uncertain significance for Encephalopathy, acute, infection-induced (herpes-specific), susceptibility to, 1. Last evaluated: 2024-12-12. Review status: criteria provided, single submitter. Criteria: Invitae Variant Classification Sherloc (09022015). Collection method: clinical testing. Allele origin: germline.
Comment: This sequence change replaces isoleucine, which is neutral and non-polar, with valine, which is neutral and non-polar, at codon 760 of the TLR3 protein (p.Ile760Val). This variant is not present in population databases (gnomAD no frequency). This variant has not been reported in the literature in individuals affected with TLR3-related conditions. ClinVar contains an entry for this variant (Variation ID: 2188791). An algorithm developed to predict the effect of missense changes on protein structure and function outputs the following: PolyPhen-2: "Benign". The valine amino acid residue is found in multiple mammalian species, which suggests that this missense change does not adversely affect protein function. In summary, the available evidence is currently insufficient to determine the role of this variant in disease. Therefore, it has been classified as a Variant of Uncertain Significance.

NM_003265.3(TLR3):c.2278A>G (p.Ile760Val)

Gene: TLR3 (toll like receptor 3; plus strand). Cytogenetic location: 4q35.1.
Variant type: single nucleotide variant.
Coding change: c.2278A>G on transcript NM_003265.3 (MANE Select); coding-DNA position 2278, A replaced by G.
Protein change: p.Ile760Val; replaces isoleucine 760 with valine.
Molecular consequence: missense variant.
Genome position (GRCh38, 1-based): chr4:186,083,964, A>G. VCF-style: chr4-186083964-A-G. GRCh37 (hg19) VCF-style: chr4-187005118-A-G.
Other names: short protein forms I760V.
Identifiers: ClinVar variation 2188791 (VCV002188791.4), dbSNP rs1226246023, ClinGen allele CA358936746.